The following is an entry in ClinVar:

NM_000093.5(COL5A1):c.4238C>A (p.Ala1413Asp)

Gene: COL5A1 (collagen type V alpha 1 chain; plus strand). Cytogenetic location: 9q34.3.
Variant type: single nucleotide variant.
Coding change: c.4238C>A on transcript NM_000093.5 (MANE Select); coding-DNA position 4238, C replaced by A.
Protein change: p.Ala1413Asp; replaces alanine 1413 with aspartic acid.
Molecular consequence: missense variant.
Genome position (GRCh38, 1-based): chr9:134,818,663, C>A. VCF-style: chr9-134818663-C-A. GRCh37 (hg19) VCF-style: chr9-137710509-C-A.
Other names: p.Ala1413Asp; c.4238C>A, p.Ala1413Asp (NM_001278074.1); c.4238C>A (NM_000093.3); short protein forms A1413D.
Identifiers: ClinVar variation 566526 (VCV000566526.13), dbSNP rs1564480902, ClinGen allele CA375457096.
Genomic context (GRCh38, chr9:134,818,663, plus strand): 5'-GGTGCCTGGAGCCTAGAGCTCCGGACCTCATTCTGCCCTCCGCCGTCCTGCAGGGAGAAG[C>A]CGGCTTGGAAGGCCCTCCTGGGAAGACTGGCCCCATCGGCCCCCAGGGGGCCCCTGGGAA-3'
Protein context (NP_000084.3, residues 1403-1423): RQGEKGAKGE[Ala1413Asp]GLEGPPGKTG

ClinVar aggregate classification (germline): Uncertain significance. Review status: criteria provided, multiple submitters, no conflicts (2 of 4 stars). 4 submissions from 4 submitters: Uncertain significance (4). Last evaluated 2024-08-11.

Conditions:
Ehlers-Danlos syndrome, classic type, 1 (EDSCL1). Also called: Ehlers-Danlos Syndrome, Classic Type, COL5A1-Related; EDS I; Ehlers-Danlos syndrome, type 1; EHLERS-DANLOS SYNDROME, GRAVIS TYPE; EHLERS-DANLOS SYNDROME, SEVERE CLASSIC TYPE. Identifiers: MedGen C0268335, MONDO:0019567, OMIM 130000.
Fibromuscular dysplasia, multifocal. Identifiers: MedGen C5543412, MONDO:0859151, OMIM 619329.
Familial thoracic aortic aneurysm and aortic dissection (TAAD). Also called: Thoracic aortic aneurysms and dissections. Identifiers: Orphanet 91387, MedGen C4707243, MONDO:0019625.

Allele frequency attached by ClinVar (database versions not stated): gnomAD exomes below 0.00001.
gnomAD v4.1: 2 of 1,608,554 alleles (0.00012%); highest among the groups gnomAD compares: Non-Finnish European, 0.00017%; no homozygotes.

Submissions (4):

Ambry Genetics
Classification: Uncertain significance for Familial thoracic aortic aneurysm and aortic dissection. Last evaluated: 2024-08-11. Review status: criteria provided, single submitter. Criteria: Ambry Variant Classification Scheme 2023. Collection method: clinical testing. Allele origin: germline.
Comment: The p.A1413D variant (also known as c.4238C>A), located in coding exon 55 of the COL5A1 gene, results from a C to A substitution at nucleotide position 4238. The alanine at codon 1413 is replaced by aspartic acid, an amino acid with dissimilar properties. This amino acid position is not well conserved in available vertebrate species. In addition, the in silico prediction for this alteration is inconclusive. Based on the available evidence, the clinical significance of this variant remains unclear.

Fulgent Genetics
Classification: Uncertain significance for Ehlers-Danlos syndrome, classic type, 1; Fibromuscular dysplasia, multifocal. Last evaluated: 2024-05-09. Review status: criteria provided, single submitter. Criteria: ACMG Guidelines, 2015. Collection method: clinical testing. Allele origin: germline.

Mayo Clinic Laboratories, Mayo Clinic
Classification: Uncertain significance. Last evaluated: 2024-01-08. Review status: criteria provided, single submitter. Criteria: ACMG Guidelines, 2015. Collection method: clinical testing. Allele origin: germline. Observed: 1 variant allele.
Comment: BP4, PM2

Labcorp Genetics (formerly Invitae), Labcorp
Classification: Uncertain significance for Ehlers-Danlos syndrome, classic type, 1. Last evaluated: 2023-07-25. Review status: criteria provided, single submitter. Criteria: Invitae Variant Classification Sherloc (09022015). Collection method: clinical testing. Allele origin: germline.
Comment: In summary, the available evidence is currently insufficient to determine the role of this variant in disease. Therefore, it has been classified as a Variant of Uncertain Significance. ClinVar contains an entry for this variant (Variation ID: 566526). Advanced modeling of protein sequence and biophysical properties (such as structural, functional, and spatial information, amino acid conservation, physicochemical variation, residue mobility, and thermodynamic stability) performed at Invitae indicates that this missense variant is not expected to disrupt COL5A1 protein function. This sequence change replaces alanine, which is neutral and non-polar, with aspartic acid, which is acidic and polar, at codon 1413 of the COL5A1 protein (p.Ala1413Asp). This variant is not present in population databases (gnomAD no frequency). This variant has not been reported in the literature in individuals affected with COL5A1-related conditions.